The following is an entry in ClinVar:

NM_145893.3(RBFOX1):c.22C>G (p.Leu8Val)

Gene: RBFOX1 (RNA binding fox-1 homolog 1; plus strand). Cytogenetic location: 16p13.3.
Variant type: single nucleotide variant.
Coding change: c.22C>G on transcript NM_145893.3 (MANE Plus Clinical); coding-DNA position 22, C replaced by G.
Protein change: p.Leu8Val; replaces leucine 8 with valine.
Molecular consequence: missense variant. On other transcripts: intron variant (5).
Genome position (GRCh38, 1-based): chr16:7,333,023, C>G. VCF-style: chr16-7333023-C-G. GRCh37 (hg19) VCF-style: chr16-7383024-C-G.
Other names: c.22C>G, p.Leu8Val (NM_145891.3, NM_145892.3); c.28-185124C>G (NM_001364800.2, NM_018723.4, NM_001142333.2 and 1 more transcripts); c.157-185124C>G (NM_001308117.1); short protein forms L8V.
Identifiers: ClinVar variation 1520352 (VCV001520352.8), dbSNP rs1389613810, ClinGen allele CA394795197.

ClinVar aggregate classification (germline): Uncertain significance (1 of 4 stars; one submission).

Conditions:
Idiopathic generalized epilepsy. Also called: Generalised epilepsy; EIG. Identifiers: MedGen C0270850, MONDO:0005579, OMIM 600669.

Submission:

Labcorp Genetics (formerly Invitae), Labcorp
Classification: Uncertain significance for Idiopathic generalized epilepsy. Last evaluated: 2022-05-27. Review status: criteria provided, single submitter. Criteria: Invitae Variant Classification Sherloc (09022015). Collection method: clinical testing. Allele origin: germline.
Comment: This sequence change replaces leucine, which is neutral and non-polar, with valine, which is neutral and non-polar, at codon 8 of the RBFOX1 protein (p.Leu8Val). This variant is not present in population databases (gnomAD no frequency). This variant has not been reported in the literature in individuals affected with RBFOX1-related conditions. Algorithms developed to predict the effect of missense changes on protein structure and function are either unavailable or do not agree on the potential impact of this missense change (SIFT: "Tolerated"; PolyPhen-2: "Probably Damaging"; Align-GVGD: "Class C0"). In summary, the available evidence is currently insufficient to determine the role of this variant in disease. Therefore, it has been classified as a Variant of Uncertain Significance.